The following is an entry in ClinVar:

NM_000155.4(GALT):c.167A>C (p.Gln56Pro)

Genes: GALT (galactose-1-phosphate uridylyltransferase; plus strand), LOC130001683 (ATAC-STARR-seq lymphoblastoid active region 28314; plus strand). Cytogenetic location: 9p13.3.
Variant type: single nucleotide variant.
Coding change: c.167A>C on transcript NM_000155.4 (MANE Select); coding-DNA position 167, A replaced by C.
Protein change: p.Gln56Pro; replaces glutamine 56 with proline.
Molecular consequence: missense variant. On other transcripts: 5 prime UTR variant (1).
Genome position (GRCh38, 1-based): chr9:34,647,173, A>C. VCF-style: chr9-34647173-A-C. GRCh37 (hg19) VCF-style: chr9-34647170-A-C.
Other names: c.-36A>C (NM_001258332.2); short protein forms Q56P.
Identifiers: ClinVar variation 4884291 (VCV004884291.1).
Genomic context (GRCh38, chr9:34,647,173, plus strand): 5'-CGCTGCAGGATGAGTGGGTGCTGGTGTCAGCTCACCGCATGAAGCGGCCCTGGCAGGGTC[A>C]AGTGGAGCCCCAGCTTCTGAAGACAGTGCCCCGCCATGACCCTCTCAACCCTCTGTGTCC-3'
Protein context (NP_000146.2, residues 46-66): AHRMKRPWQG[Gln56Pro]VEPQLLKTVP

ClinVar aggregate classification (germline): Likely pathogenic (1 of 4 stars; one submission).

Conditions:
Deficiency of UDPglucose-hexose-1-phosphate uridylyltransferase. Also called: GALACTOSE-1-PHOSPHATE URIDYLYLTRANSFERASE DEFICIENCY; Transferase Deficiency Galactosemia; GALACTOSEMIA I; GALT deficiency; Galactosemia, classic. Identifiers: Orphanet 352, Orphanet 79239, MedGen C0268151, MONDO:0009258, OMIM 230400.

Submission:

Mahmoud Shekari Research Group, Tabriz University of Medical Sciences
Classification: Likely pathogenic for Deficiency of UDPglucose-hexose-1-phosphate uridylyltransferase. Last evaluated: 2026-07-19. Review status: criteria provided, single submitter. Criteria: ACMG Guidelines, 2015. Collection method: clinical testing. Allele origin: germline. Inheritance: Autosomal recessive inheritance. Affected: yes. Observed: 2 variant alleles, 2 homozygotes.
Comment: PM1:Hot-spot of length 17 amino-acids has 17 missense/in-frame variants (6 pathogenic variants, 10 uncertain variants, and 1 benign variant), which qualifies as moderate pathogenic. PP2: Missense variant in a gene with low rate of benign missense mutations and for which missense mutation is a common mechanism of a disease PM2:Variant not found in gnomAD genomes, good gnomAD genomes coverage = 31.2. Variant not found in gnomAD exomes, good gnomAD exomes coverage = 38.4. PP3: PP3 was applied based on multiple computational tools supporting a deleterious effect on the protein/gene product. PP1: Co-segregation was confirmed by sanger sequencing.